The following is an entry in ClinVar:

NM_001201539.2(ARSF):c.1004G>A (p.Arg335Lys)

Gene: ARSF (arylsulfatase F; plus strand). Cytogenetic location: Xp22.33.
Variant type: single nucleotide variant.
Coding change: c.1004G>A on transcript NM_001201539.2 (MANE Select); coding-DNA position 1004, G replaced by A.
Protein change: p.Arg335Lys; replaces arginine 335 with lysine.
Molecular consequence: missense variant.
Genome position (GRCh38, 1-based): chrX:3,101,123, G>A. VCF-style: chrX-3101123-G-A. GRCh37 (hg19) VCF-style: chrX-3019164-G-A.
Other names: c.1004G>A, p.Arg335Lys (NM_001201538.2, NM_004042.5); short protein forms R335K.
Identifiers: ClinVar variation 3043061 (VCV003043061.2), dbSNP rs78126806, ClinGen allele CA10339033.

ClinVar aggregate classification (germline): Benign (0 of 4 stars; one submission).

Conditions:
ARSF-related disorder. Also called: ARSF-related condition.

Allele frequency attached by ClinVar (database versions not stated): gnomAD exomes 0.00099; ExAC 0.00338; gnomAD 0.00878; ESP Exome Variant Server 0.00928; TOPMed 0.01086; 1000 Genomes Project 0.01457; 1000 Genomes Project 30x 0.01457.
gnomAD v4.1: 2,151 of 1,208,523 alleles (0.18%); highest among the groups gnomAD compares: African/African-American, 3.1%; 22 homozygotes.

Submission:

PreventionGenetics, part of Exact Sciences
Classification: Benign for ARSF-related condition. Last evaluated: 2019-12-06. Review status: no assertion criteria provided. Collection method: clinical testing. Allele origin: germline.
Comment: This variant is classified as benign based on ACMG/AMP sequence variant interpretation guidelines (Richards et al. 2015 PMID: 25741868, with internal and published modifications).